The following is an entry in ClinVar:

ClinVar aggregate classification (germline): Uncertain significance (1 of 4 stars; one submission).

Allele frequency attached by ClinVar (database versions not stated): TOPMed below 0.00001; ExAC 0.00001; gnomAD exomes 0.00001.
gnomAD v4.1: 13 of 1,613,134 alleles (0.00081%); highest among the groups gnomAD compares: Non-Finnish European, 0.001%; no homozygotes.

Submission:

Labcorp Genetics (formerly Invitae), Labcorp
Classification: Uncertain significance. Last evaluated: 2024-03-04. Review status: criteria provided, single submitter. Criteria: Invitae Variant Classification Sherloc (09022015). Collection method: clinical testing. Allele origin: germline.
Comment: This sequence change replaces tyrosine, which is neutral and polar, with cysteine, which is neutral and slightly polar, at codon 397 of the MESP2 protein (p.Tyr397Cys). This variant is present in population databases (rs761885039, gnomAD 0.002%). This variant has not been reported in the literature in individuals affected with MESP2-related conditions. ClinVar contains an entry for this variant (Variation ID: 1379863). An algorithm developed to predict the effect of missense changes on protein structure and function (PolyPhen-2) suggests that this variant is likely to be disruptive. In summary, the available evidence is currently insufficient to determine the role of this variant in disease. Therefore, it has been classified as a Variant of Uncertain Significance.

NM_001039958.2(MESP2):c.1190A>G (p.Tyr397Cys)

Gene: MESP2 (mesoderm posterior bHLH transcription factor 2; plus strand). Cytogenetic location: 15q26.1.
Variant type: single nucleotide variant.
Coding change: c.1190A>G on transcript NM_001039958.2 (MANE Select); coding-DNA position 1190, A replaced by G.
Protein change: p.Tyr397Cys; replaces tyrosine 397 with cysteine.
Molecular consequence: missense variant.
Genome position (GRCh38, 1-based): chr15:89,778,330, A>G. VCF-style: chr15-89778330-A-G. GRCh37 (hg19) VCF-style: chr15-90321561-A-G.
Other names: short protein forms Y397C.
Identifiers: ClinVar variation 1379863 (VCV001379863.5), dbSNP rs761885039, ClinGen allele CA7730615.